The following is an entry in ClinVar:

NM_001367624.2(ZNF469):c.1038C>A (p.Asn346Lys)

Gene: ZNF469 (zinc finger protein 469; plus strand). Cytogenetic location: 16q24.2.
Variant type: single nucleotide variant.
Coding change: c.1038C>A on transcript NM_001367624.2 (MANE Select); coding-DNA position 1038, C replaced by A.
Protein change: p.Asn346Lys; replaces asparagine 346 with lysine.
Molecular consequence: missense variant.
Genome position (GRCh38, 1-based): chr16:88,428,508, C>A. VCF-style: chr16-88428508-C-A. GRCh37 (hg19) VCF-style: chr16-88494916-C-A.
Other names: short protein forms N346K.
Identifiers: ClinVar variation 2085033 (VCV002085033.4), dbSNP rs1905867834, ClinGen allele CA397062802.

ClinVar aggregate classification (germline): Uncertain significance (1 of 4 stars; one submission).

Submission:

Labcorp Genetics (formerly Invitae), Labcorp
Classification: Uncertain significance. Last evaluated: 2022-01-16. Review status: criteria provided, single submitter. Criteria: Invitae Variant Classification Sherloc (09022015). Collection method: clinical testing. Allele origin: germline.
Comment: In summary, the available evidence is currently insufficient to determine the role of this variant in disease. Therefore, it has been classified as a Variant of Uncertain Significance. Algorithms developed to predict the effect of missense changes on protein structure and function output the following: SIFT: "Tolerated"; PolyPhen-2: "Benign"; Align-GVGD: "Class C0". The lysine amino acid residue is found in multiple mammalian species, which suggests that this missense change does not adversely affect protein function. This variant has not been reported in the literature in individuals affected with ZNF469-related conditions. This variant is not present in population databases (gnomAD no frequency). This sequence change replaces asparagine, which is neutral and polar, with lysine, which is basic and polar, at codon 346 of the ZNF469 protein (p.Asn346Lys).